The following is an entry in ClinVar:

NM_001875.5(CPS1):c.4274+299T>G

Gene: CPS1 (carbamoyl-phosphate synthase 1; plus strand). Cytogenetic location: 2q34.
Variant type: single nucleotide variant.
Coding change: c.4274+299T>G on transcript NM_001875.5 (MANE Select); 299 bases into the intron after coding-DNA position 4274, T replaced by G.
Molecular consequence: intron variant.
Genome position (GRCh38, 1-based): chr2:210,676,139, T>G. VCF-style: chr2-210676139-T-G. GRCh37 (hg19) VCF-style: chr2-211540863-T-G.
Other names: NC_000002.11:g.211540863T>G; c.4274+299T>G (NM_001369257.1, NM_001122633.3); c.4307+299T>G (NM_001369256.1).
Identifiers: ClinVar variation 674261 (VCV000674261.2), dbSNP rs16844788, ClinGen allele CA11263565.

ClinVar aggregate classification (germline): Benign (1 of 4 stars; one submission).

Allele frequency attached by ClinVar (database versions not stated): gnomAD 0.11597 and 0.10797; TOPMed 0.12294; 1000 Genomes Project 30x 0.20987; 1000 Genomes Project 0.22105.

Submissions (3):

GeneDx
Classification: Benign. Last evaluated: 2018-06-19. Review status: criteria provided, single submitter. Criteria: GeneDx Variant Classification (06012015). Collection method: clinical testing. Allele origin: germline. Affected: yes.
Comment: This variant is considered likely benign or benign based on one or more of the following criteria: it is a conservative change, it occurs at a poorly conserved position in the protein, it is predicted to be benign by multiple in silico algorithms, and/or has population frequency not consistent with disease.

Dr. Peter K. Rogan Lab, Western University
No classification provided (evidence only). Condition: Ovarian serous cystadenocarcinoma. Review status: no classification provided. Collection method: in vitro. Allele origin: not applicable. Functional consequence: retained intron. Not counted in ClinVar's aggregate classification.

Dr. Peter K. Rogan Lab, Western University
No classification provided (evidence only). Condition: Ovarian serous cystadenocarcinoma. Review status: no classification provided. Collection method: in vitro. Allele origin: not applicable. Functional consequence: retained intron. Not counted in ClinVar's aggregate classification.